The following is an entry in ClinVar:

ClinVar aggregate classification (germline): Benign/Likely benign. Review status: criteria provided, multiple submitters, no conflicts (2 of 4 stars). 2 submissions from 2 submitters: Benign (1); Likely benign (1). Last evaluated 2025-03-21.

Conditions:
Familial thoracic aortic aneurysm and aortic dissection (TAAD). Also called: Thoracic aortic aneurysms and dissections. Identifiers: Orphanet 91387, MedGen C4707243, MONDO:0019625.
Hereditary cancer-predisposing syndrome. Also called: Neoplastic Syndromes, Hereditary; Hereditary neoplastic syndrome; Hereditary Cancer Syndrome; Tumor predisposition. Identifiers: Orphanet 140162, MedGen C0027672, MeSH D009386, MONDO:0015356.
Juvenile polyposis/hereditary hemorrhagic telangiectasia syndrome (JPHT). Also called: JP/HHT SYNDROME; JUVENILE POLYPOSIS WITH HEREDITARY HEMORRHAGIC TELANGIECTASIA; POLYPOSIS, GENERALIZED JUVENILE, WITH PULMONARY ARTERIOVENOUS MALFORMATION; TELANGIECTASIA, HEREDITARY HEMORRHAGIC, WITH JUVENILE POLYPOSIS COLI; Juvenile Polyposis Syndrome / Hereditary Hemorrhagic Telangiectasia (JPS/HHT). Identifiers: Orphanet 2929, MedGen C1832942, MONDO:0008278, OMIM 175050.

Submissions (2):

Myriad Genetics, Inc.
Classification: Benign for Juvenile polyposis/hereditary hemorrhagic telangiectasia syndrome. Last evaluated: 2025-03-21. Review status: criteria provided, single submitter. Criteria: Myriad Autosomal Dominant, Autosomal Recessive and X-Linked Classification Criteria (2023). Collection method: clinical testing. Allele origin: unknown.
Comment: This variant is considered benign. This variant is a silent/synonymous amino acid change and it is not expected to impact splicing.

Ambry Genetics
Classification: Likely benign for Hereditary cancer-predisposing syndrome; Familial thoracic aortic aneurysm and aortic dissection. Last evaluated: 2018-04-03. Review status: criteria provided, single submitter. Criteria: Ambry Variant Classification Scheme 2023. Collection method: clinical testing. Allele origin: germline.

NM_005359.6(SMAD4):c.1131G>A (p.Glu377=)

Gene: SMAD4 (SMAD family member 4; plus strand). Cytogenetic location: 18q21.2.
Variant type: single nucleotide variant.
Coding change: c.1131G>A on transcript NM_005359.6 (MANE Select); coding-DNA position 1131, G replaced by A.
Protein change: p.Glu377=; no amino-acid change (glutamic acid 377 retained).
Molecular consequence: synonymous variant.
Genome position (GRCh38, 1-based): chr18:51,065,598, G>A. VCF-style: chr18-51065598-G-A. GRCh37 (hg19) VCF-style: chr18-48591968-G-A.
Identifiers: ClinVar variation 818396 (VCV000818396.5), dbSNP rs1568208287, ClinGen allele CA503874187.